The following is an entry in ClinVar:

NM_000817.3(GAD1):c.*700C>T

Gene: GAD1 (glutamate decarboxylase 1; plus strand). Cytogenetic location: 2q31.1.
Variant type: single nucleotide variant.
Coding change: c.*700C>T on transcript NM_000817.3 (MANE Select); 700 bases downstream of the stop codon, C replaced by T.
Molecular consequence: 3 prime UTR variant.
Genome position (GRCh38, 1-based): chr2:170,860,582, C>T. VCF-style: chr2-170860582-C-T. GRCh37 (hg19) VCF-style: chr2-171717092-C-T.
Identifiers: ClinVar variation 332248 (VCV000332248.7), dbSNP rs45479900, ClinGen allele CA10612702.
Genomic context (GRCh38, chr2:170,860,582, plus strand): 5'-GGGGGAGACTATGTGTCATGATTTCAATGATTGTTTAATTGTAGGTCAATGAAATATTTG[C>T]TTATTTATATTCAGAGATGTACCATGTTAAAGAGGCGTCTTGTATTTTCTTCCCATTTGT-3'

ClinVar aggregate classification (germline): Benign (1 of 4 stars; one submission).

Conditions:
Neurodevelopmental disorder with progressive spasticity and brain white matter abnormalities. Also called: CEREBRAL PALSY, SPASTIC QUADRIPLEGIC, 1. Identifiers: Orphanet 210141, Orphanet 641353, MedGen C5436628, MONDO:0033613, OMIM 619026.

Allele frequency attached by ClinVar (database versions not stated): gnomAD 0.02131 and 0.02281; TOPMed 0.02494; 1000 Genomes Project 0.02716; 1000 Genomes Project 30x 0.02936.

Submission:

Illumina Laboratory Services, Illumina
Classification: Benign. Last evaluated: 2018-01-13. Review status: criteria provided, single submitter. Criteria: ICSL Variant Classification Criteria 13 December 2019. Collection method: clinical testing. Allele origin: germline.
Comment: This variant was observed in the ICSL laboratory as part of a predisposition screen in an ostensibly healthy population. It had not been previously curated by ICSL or reported in the Human Gene Mutation Database (HGMD: prior to June 1st, 2018), and was therefore a candidate for classification through an automated scoring system. Utilizing variant allele frequency, disease prevalence and penetrance estimates, and inheritance mode, an automated score was calculated to assess if this variant is too frequent to cause the disease. Based on the score and internal cut-off values, a variant classified as benign is not then subjected to further curation. The score for this variant resulted in a classification of benign for this disease.